The following is an entry in ClinVar:

NM_001379200.1(TBX1):c.857A>G (p.Gln286Arg)

Gene: TBX1 (T-box transcription factor 1; plus strand). Cytogenetic location: 22q11.21.
Variant type: single nucleotide variant.
Coding change: c.857A>G on transcript NM_001379200.1 (MANE Select); coding-DNA position 857, A replaced by G.
Protein change: p.Gln286Arg; replaces glutamine 286 with arginine.
Molecular consequence: missense variant.
Genome position (GRCh38, 1-based): chr22:19,765,103, A>G. VCF-style: chr22-19765103-A-G. GRCh37 (hg19) VCF-style: chr22-19752626-A-G.
Other names: c.830A>G, p.Gln277Arg (NM_005992.1, NM_080646.2, NM_080647.1); short protein forms Q277R, Q286R.
Identifiers: ClinVar variation 3034724 (VCV003034724.2), dbSNP rs2517852372, ClinGen allele CA410683540.

ClinVar aggregate classification (germline): Likely pathogenic (0 of 4 stars; one submission).

Conditions:
TBX1-related disorder. Also called: TBX1-related condition; TBX1-Related Disorders.

Submission:

PreventionGenetics, part of Exact Sciences
Classification: Likely pathogenic for TBX1-related condition. Last evaluated: 2024-01-12. Review status: no assertion criteria provided. Collection method: clinical testing. Allele origin: germline.
Comment: The TBX1 c.830A>G variant is predicted to result in the amino acid substitution p.Gln277Arg. To our knowledge, this variant has not been reported in the literature or in a large population database, indicating this variant is rare. This variant is interpreted as likely pathogenic.